The following is an entry in ClinVar:

NM_000439.5(PCSK1):c.374T>A (p.Met125Lys)

Genes: PCSK1 (proprotein convertase subtilisin/kexin type 1; minus strand), CAST (calpastatin; plus strand), LOC101929710 (uncharacterized LOC101929710; plus strand). Cytogenetic location: 5q15.
Variant type: single nucleotide variant.
Coding change: c.374T>A on transcript NM_000439.5 (MANE Select); coding-DNA position 374, T replaced by A.
Protein change: p.Met125Lys; replaces methionine 125 with lysine.
Molecular consequence: missense variant. On other transcripts: intron variant (11).
Genome position (GRCh38, 1-based): chr5:96,425,842, A>T on the plus strand (T>A on the coding strand, the complement: PCSK1 is on the minus strand). VCF-style: chr5-96425842-A-T. GRCh37 (hg19) VCF-style: chr5-95761546-A-T.
Other names: c.233T>A, p.Met78Lys (NM_001177875.2); c.-175+46190A>T (NM_001423254.1, NM_001423259.1, NM_001423255.1 and 6 more transcripts); c.-103+46190A>T (NM_001423253.1); c.-40+46190A>T (NM_001423258.1); short protein forms M125K, M78K.
Identifiers: ClinVar variation 3045589 (VCV003045589.3), dbSNP rs369663700, ClinGen allele CA3350510.

ClinVar aggregate classification (germline): Uncertain significance (1 of 4 stars; one submission).

Conditions:
PCSK1-related disorder. Also called: PCSK1-related condition.

Allele frequency attached by ClinVar (database versions not stated): ExAC 0.00002; gnomAD 0.00001; TOPMed 0.00001; gnomAD exomes 0.00002; ESP Exome Variant Server 0.00008.
gnomAD v4.1: 35 of 1,597,526 alleles (0.0022%); highest among the groups gnomAD compares: Non-Finnish European, 0.0027%; no homozygotes.

Submission:

PreventionGenetics, part of Exact Sciences
Classification: Uncertain significance for PCSK1-related condition. Last evaluated: 2026-01-14. Review status: criteria provided, single submitter. Criteria: ACMG Guidelines, 2015. Collection method: clinical testing. Allele origin: germline.
Comment: The PCSK1 c.374T>A variant is predicted to result in the amino acid substitution p.Met125Lys. This variant was observed in a cohort of obese individuals, and in vitro functional studies show moderate evidence of loss of function (Table 3 and Supplemental Data Set, Shah et al. 2023. PubMed ID: 36864747). An alternative missense variant at the same amino acid position (p.Met125Ile) was also documented in obese individuals. In vitro functional analysis of the p.Met125Ile variant showed a partial deleterious effect on its function (Creemers et al. 2012. PubMed ID: 22210313; Table 3, Shah et al. 2023. PubMed ID: 36864747). This variant is reported in 0.0044% of alleles in individuals of European (non-Finnish) descent in gnomAD. Although we suspect this variant may be pathogenic, at this time, the clinical significance of this variant is uncertain due to the absence of conclusive functional and genetic evidence.